The following is an entry in ClinVar:

ClinVar aggregate classification (germline): Pathogenic (1 of 4 stars; one submission).

Conditions:
Familial adenomatous polyposis 1 (FAP1). Also called: FAMILIAL ADENOMATOUS POLYPOSIS 1, ATTENUATED; POLYPOSIS, ADENOMATOUS INTESTINAL. Identifiers: MedGen C2713442, MONDO:0021056, OMIM 175100. Disease mechanism: loss of function.

Submission:

Labcorp Genetics (formerly Invitae), Labcorp
Classification: Pathogenic for Familial adenomatous polyposis 1. Last evaluated: 2024-01-11. Review status: criteria provided, single submitter. Criteria: Invitae Variant Classification Sherloc (09022015). Collection method: clinical testing. Allele origin: germline.
Comment: This sequence change creates a premature translational stop signal (p.Leu292Glufs*3) in the APC gene. It is expected to result in an absent or disrupted protein product. Loss-of-function variants in APC are known to be pathogenic (PMID: 17963004, 20685668). This variant is not present in population databases (gnomAD no frequency). This variant has not been reported in the literature in individuals affected with APC-related conditions. For these reasons, this variant has been classified as Pathogenic.

Literature cited by the submitters: PubMed 17963004; PubMed 20685668.

NM_000038.6(APC):c.874_875del (p.Leu292fs)

Gene: APC (APC regulator of Wnt signaling pathway; plus strand). Cytogenetic location: 5q22.2.
Variant type: Deletion.
Coding change: c.874_875del on transcript NM_000038.6 (MANE Select); coding-DNA positions 874 to 875, 2 bases deleted (TT; older notation c.874_875delTT).
Protein change: p.Leu292fs; shifts the reading frame from leucine 292.
Molecular consequence: frameshift variant. On other transcripts: non-coding transcript variant (2).
Genome position (GRCh38, 1-based): chr5:112,815,534-112,815,535, TT deleted; deleting any 2 consecutive bases within chr5:112,815,532-112,815,535 gives the same sequence; the c. name uses the placement nearest the transcript's 3' end. VCF-style (leftmost placement, unchanged base first): chr5-112815531-GTT-G. GRCh37 (hg19) VCF-style: chr5-112151228-GTT-G.
Other names: c.874_875del, p.Leu292fs (NM_001127510.3, NM_001354895.2, NM_001354896.2 and 12 more transcripts); c.820_821del, p.Leu274fs (NM_001127511.3); c.904_905del, p.Leu302fs (NM_001354897.2, NM_001354902.2, NM_001407446.1); c.799_800del, p.Leu267fs (NM_001354898.2, NM_001354904.2, NM_001407451.1); c.790_791del, p.Leu264fs (NM_001354899.2, NM_001407452.1, NM_001407467.1 and 1 more transcripts); c.697_698del, p.Leu233fs (NM_001354900.2, NM_001354901.2, NM_001354905.2 and 1 more transcripts); c.25_26del, p.Leu9fs (NM_001354906.2, NM_001407470.1, NM_001407471.1 and 1 more transcripts); short protein forms L233fs, L267fs, L302fs, L9fs, L264fs, L274fs, L292fs.
Identifiers: ClinVar variation 2708907 (VCV002708907.3), dbSNP rs1762417302, ClinGen allele CA2697546395.